The following is an entry in ClinVar:

NM_000187.4(HGD):c.614G>A (p.Gly205Asp)

Gene: HGD (homogentisate 1,2-dioxygenase; minus strand). Cytogenetic location: 3q13.33.
Variant type: single nucleotide variant.
Coding change: c.614G>A on transcript NM_000187.4 (MANE Select); coding-DNA position 614, G replaced by A.
Protein change: p.Gly205Asp; replaces glycine 205 with aspartic acid.
Molecular consequence: missense variant.
Genome position (GRCh38, 1-based): chr3:120,646,302, C>T on the plus strand (G>A on the coding strand, the complement: HGD is on the minus strand). VCF-style: chr3-120646302-C-T. GRCh37 (hg19) VCF-style: chr3-120365149-C-T.
Other names: short protein forms G205D.
Identifiers: ClinVar variation 2627689 (VCV002627689.1), dbSNP rs754802510, ClinGen allele CA2560145.

ClinVar aggregate classification (germline): Pathogenic (0 of 4 stars; one submission).

Conditions:
Alkaptonuria (AKU). Also called: Alkaptonuric ochronosis; Homogentisic acidura; Alcaptonuria; HOMOGENTISIC ACID OXIDASE DEFICIENCY. Identifiers: Orphanet 56, MedGen C0002066, MONDO:0008753, OMIM 203500.

Allele frequency attached by ClinVar (database versions not stated): ExAC 0.00001.
gnomAD v4.1: 2 of 1,613,254 alleles (0.00012%); highest among the groups gnomAD compares: Non-Finnish European, 0.00017%; no homozygotes.

Submission:

Department Of Human Genetics, Institute Of Clinical And Translational Research, Biomedical Research Center, Slovak Academy Of Sciences
Classification: Pathogenic for Alkaptonuria. Review status: no assertion criteria provided. Collection method: research. Allele origin: germline. Inheritance: Autosomal recessive inheritance. Affected: yes. Observed: 1 variant allele.
Comment: The variant was originally described in AKU patient in PMID:25804398. It has been submitted to the HGD gene mutation database (DB-ID: AKU_00153).

Literature cited by the submitters: PubMed 25804398.